The following is an entry in ClinVar:

ClinVar aggregate classification (germline): Uncertain significance (1 of 4 stars; one submission).

Submission:

Labcorp Genetics (formerly Invitae), Labcorp
Classification: Uncertain significance. Last evaluated: 2024-09-30. Review status: criteria provided, single submitter. Criteria: Invitae Variant Classification Sherloc (09022015). Collection method: clinical testing. Allele origin: germline.
Comment: This sequence change replaces valine, which is neutral and non-polar, with leucine, which is neutral and non-polar, at codon 1226 of the ALPK3 protein (p.Val1226Leu). This variant is not present in population databases (gnomAD no frequency). This variant has not been reported in the literature in individuals affected with ALPK3-related conditions. Invitae Evidence Modeling of protein sequence and biophysical properties (such as structural, functional, and spatial information, amino acid conservation, physicochemical variation, residue mobility, and thermodynamic stability) indicates that this missense variant is not expected to disrupt ALPK3 protein function with a negative predictive value of 80%. In summary, the available evidence is currently insufficient to determine the role of this variant in disease. Therefore, it has been classified as a Variant of Uncertain Significance.

NM_020778.5(ALPK3):c.3070G>T (p.Val1024Leu)

Gene: ALPK3 (alpha kinase 3; plus strand). Cytogenetic location: 15q25.3.
Variant type: single nucleotide variant.
Coding change: c.3070G>T on transcript NM_020778.5 (MANE Select); coding-DNA position 3070, G replaced by T.
Protein change: p.Val1024Leu; replaces valine 1024 with leucine.
Molecular consequence: missense variant.
Genome position (GRCh38, 1-based): chr15:84,857,808, G>T. VCF-style: chr15-84857808-G-T. GRCh37 (hg19) VCF-style: chr15-85401039-G-T.
Other names: short protein forms V1024L.
Identifiers: ClinVar variation 3720811 (VCV003720811.2).